The following is an entry in ClinVar:

NM_001282933.2(ZNF341):c.1735C>T (p.Arg579Cys)

Gene: ZNF341 (zinc finger protein 341; plus strand). Cytogenetic location: 20q11.22.
Variant type: single nucleotide variant.
Coding change: c.1735C>T on transcript NM_001282933.2 (MANE Select); coding-DNA position 1735, C replaced by T.
Protein change: p.Arg579Cys; replaces arginine 579 with cysteine.
Molecular consequence: missense variant. On other transcripts: non-coding transcript variant (1).
Genome position (GRCh38, 1-based): chr20:33,783,747, C>T. VCF-style: chr20-33783747-C-T. GRCh37 (hg19) VCF-style: chr20-32371553-C-T.
Other names: c.1465C>T, p.Arg489Cys (NM_001282935.2); c.1714C>T, p.Arg572Cys (NM_032819.5); short protein forms R572C, R579C, R489C.
Identifiers: ClinVar variation 1954522 (VCV001954522.2), dbSNP rs148442739, ClinGen allele CA9819541.

ClinVar aggregate classification (germline): Uncertain significance (1 of 4 stars; one submission).

Allele frequency attached by ClinVar (database versions not stated): ExAC 0.00001; gnomAD exomes 0.00001; TOPMed 0.00001; ESP Exome Variant Server 0.00008.
gnomAD v4.1: 12 of 1,613,852 alleles (0.00074%); highest among the groups gnomAD compares: African/African-American, 0.0013%; no homozygotes.

Submission:

Labcorp Genetics (formerly Invitae), Labcorp
Classification: Uncertain significance. Last evaluated: 2022-06-29. Review status: criteria provided, single submitter. Criteria: Invitae Variant Classification Sherloc (09022015). Collection method: clinical testing. Allele origin: germline.
Comment: This sequence change replaces arginine, which is basic and polar, with cysteine, which is neutral and slightly polar, at codon 572 of the ZNF341 protein (p.Arg572Cys). This variant is present in population databases (rs148442739, gnomAD 0.004%). This variant has not been reported in the literature in individuals affected with ZNF341-related conditions. Algorithms developed to predict the effect of missense changes on protein structure and function are either unavailable or do not agree on the potential impact of this missense change (SIFT: "Deleterious"; PolyPhen-2: "Probably Damaging"; Align-GVGD: "Class C0"). In summary, the available evidence is currently insufficient to determine the role of this variant in disease. Therefore, it has been classified as a Variant of Uncertain Significance.